The following is an entry in ClinVar:

NM_016335.6(PRODH):c.1292G>A (p.Arg431His)

Gene: PRODH (proline dehydrogenase 1; minus strand). Cytogenetic location: 22q11.21.
Variant type: single nucleotide variant.
Coding change: c.1292G>A on transcript NM_016335.6 (MANE Select); coding-DNA position 1292, G replaced by A.
Protein change: p.Arg431His; replaces arginine 431 with histidine.
Molecular consequence: missense variant.
Genome position (GRCh38, 1-based): chr22:18,918,451, C>T on the plus strand (G>A on the coding strand, the complement: PRODH is on the minus strand). VCF-style: chr22-18918451-C-T. GRCh37 (hg19) VCF-style: chr22-18905964-C-T.
Other names: c.968G>A, p.Arg323His (NM_001195226.2); short protein forms R431H, R323H.
Identifiers: ClinVar variation 4011 (VCV000004011.19), dbSNP rs2904552, ClinGen allele CA116578.

ClinVar aggregate classification (germline): Conflicting classifications of pathogenicity. Review status: criteria provided, conflicting classifications (1 of 4 stars). 9 submissions from 8 submitters: Likely pathogenic (1); Uncertain significance (2); Benign (2); Likely benign (2). 2 of the submissions do not count toward it. Last evaluated 2026-02-01.

Conditions:
Proline dehydrogenase deficiency (HYRPRO1). Also called: Hyperprolinemia type 1; PROLINE OXIDASE DEFICIENCY. Identifiers: Orphanet 419, MedGen C0268529, MONDO:0009400, OMIM 239500.
Schizophrenia 4 (SCZD4). Also called: SCHIZOPHRENIA, SUSCEPTIBILITY TO, 4; SCHIZOPHRENIA SUSCEPTIBILITY LOCUS, CHROMOSOME 22q11-RELATED. Identifiers: MedGen C1833247, MONDO:0010943, OMIM 600850.

Allele frequency attached by ClinVar (database versions not stated): 1000 Genomes Project 0.04293; gnomAD 0.06735; gnomAD exomes 0.07225 and 0.10215; TOPMed 0.07300; ExAC 0.07940.

Submissions (9):

Labcorp Genetics (formerly Invitae), Labcorp
Classification: Benign for Proline dehydrogenase deficiency. Last evaluated: 2026-02-01. Review status: criteria provided, single submitter. Criteria: Invitae Variant Classification Sherloc (09022015). Collection method: clinical testing. Allele origin: germline.

Laboratory of Genetics, Children's Clinical University Hospital Latvia
Classification: Benign. Last evaluated: 2025-02-16. Review status: criteria provided, single submitter. Criteria: ACMG Guidelines, 2015. Collection method: clinical testing. Allele origin: germline. Affected: yes.

Blueprint Genetics
Classification: Uncertain significance. Last evaluated: 2024-11-28. Review status: criteria provided, single submitter. Criteria: ACMG Guidelines, 2015. Collection method: clinical testing. Allele origin: germline.

Genomic Medicine Center of Excellence, King Faisal Specialist Hospital and Research Centre
Classification: Likely benign for Proline dehydrogenase deficiency. Last evaluated: 2024-03-26. Review status: criteria provided, single submitter. Criteria: ACMG Guidelines, 2015. Collection method: clinical testing. Allele origin: germline.

Department of Pathology and Laboratory Medicine, Sinai Health System
Classification: Likely benign for Schizophrenia 4; Proline dehydrogenase deficiency. Last evaluated: 2023-01-31. Review status: criteria provided, single submitter. Criteria: ACMG Guidelines, 2015. Collection method: research. Allele origin: germline.

MGZ Medical Genetics Center
Classification: Uncertain significance for Proline dehydrogenase deficiency. Last evaluated: 2022-04-29. Review status: criteria provided, single submitter. Criteria: ACMG Guidelines, 2015. Collection method: clinical testing. Allele origin: germline. Affected: yes. Observed: 1 variant allele.
Comment: ACMG criteria applied: PS3_MOD, BS2

Centre for Mendelian Genomics, University Medical Centre Ljubljana
Classification: Likely pathogenic for Schizophrenia 4. Last evaluated: 2019-05-13. Review status: criteria provided, single submitter. Criteria: ACMG Guidelines, 2015. Collection method: clinical testing. Allele origin: unknown. Affected: yes.
Comment: This variant was classified as: Likely pathogenic. The following ACMG criteria were applied in classifying this variant: PS3,PM3,â”¬Ã¡PP3,â”¬Ã¡PP5.

OMIM
Classification: Pathogenic for HYPERPROLINEMIA, TYPE I. Last evaluated: 2005-03-01. Review status: no assertion criteria provided. Collection method: literature only. Allele origin: germline. Not counted in ClinVar's aggregate classification.

OMIM
Classification: risk factor for SCHIZOPHRENIA, SUSCEPTIBILITY TO, 4. Last evaluated: 2005-03-01. Review status: no assertion criteria provided. Collection method: literature only. Allele origin: germline. Not counted in ClinVar's aggregate classification.

Literature cited by the submitters: PubMed 12217952 (cited by OMIM); PubMed 15662599 (cited by OMIM).